The following is an entry in ClinVar:

NM_007294.4(BRCA1):c.3184G>T (p.Gly1062Cys)

Gene: BRCA1 (BRCA1 DNA repair associated; minus strand). Cytogenetic location: 17q21.31.
Variant type: single nucleotide variant.
Coding change: c.3184G>T on transcript NM_007294.4 (MANE Select); coding-DNA position 3184, G replaced by T.
Protein change: p.Gly1062Cys; replaces glycine 1062 with cysteine.
Molecular consequence: missense variant. On other transcripts: intron variant (137).
Genome position (GRCh38, 1-based): chr17:43,092,347, C>A on the plus strand (G>T on the coding strand, the complement: BRCA1 is on the minus strand). VCF-style: chr17-43092347-C-A. GRCh37 (hg19) VCF-style: chr17-41244364-C-A.
Other names: c.2971G>T, p.Gly991Cys (NM_001407571.1, NM_001407853.1, NM_001407894.1 and 9 more transcripts); c.3184G>T, p.Gly1062Cys (NM_001407581.1, NM_001407582.1, NM_001407583.1 and 30 more transcripts); c.3181G>T, p.Gly1061Cys (NM_001407587.1, NM_001407590.1, NM_001407591.1 and 22 more transcripts); c.3175G>T, p.Gly1059Cys (NM_001407646.1, NM_001407647.1); c.3061G>T, p.Gly1021Cys (NM_001407648.1, NM_001407664.1, NM_001407665.1 and 19 more transcripts); c.3058G>T, p.Gly1020Cys (NM_001407649.1, NM_001407670.1, NM_001407671.1 and 11 more transcripts); c.3106G>T, p.Gly1036Cys (NM_001407653.1, NM_001407654.1, NM_001407655.1 and 4 more transcripts); c.3103G>T, p.Gly1035Cys (NM_001407659.1, NM_001407660.1, NM_001407661.1 and 1 more transcripts); and 41 more; short protein forms G1021C, G1035C, G1036C, G934C, G951C, G991C, G1014C, G1020C.
Identifiers: ClinVar variation 2129572 (VCV002129572.6), dbSNP rs1567792594, ClinGen allele CA10595617.

ClinVar aggregate classification (germline): Conflicting classifications of pathogenicity. Review status: criteria provided, conflicting classifications (1 of 4 stars). 2 submissions from 2 submitters: Uncertain significance (1); Likely benign (1). Last evaluated 2023-03-23.

Conditions:
Hereditary cancer-predisposing syndrome. Also called: Hereditary neoplastic syndrome; Tumor predisposition; Hereditary Cancer Syndrome; Neoplastic Syndromes, Hereditary. Identifiers: Orphanet 140162, MedGen C0027672, MeSH D009386, MONDO:0015356.
Hereditary breast ovarian cancer syndrome. Also called: Hereditary breast and ovarian cancer syndrome; BRCA1- and BRCA2-Associated Hereditary Breast and Ovarian Cancer; Hereditary breast and ovarian cancer syndrome (HBOC); Hereditary breast and/or ovarian cancer syndrome; Hereditary breast and ovarian cancer; Breast and ovarian cancer. Identifiers: Orphanet 145, MedGen C0677776, MeSH D061325, MONDO:0003582. Disease mechanism: loss of function.

Submissions (2):

University of Washington Department of Laboratory Medicine, University of Washington
Classification: Likely benign for Hereditary cancer-predisposing syndrome. Last evaluated: 2023-03-23. Review status: criteria provided, single submitter. Criteria: Dines et al. (Genet Med. 2020). Collection method: curation. Allele origin: germline.
Comment: Missense variant in a coldspot region where missense variants are very unlikely to be pathogenic (PMID:31911673).

BRCA1 coldspot (exon 11 using historical exon numbering). Reclassification based on statistical prior probability

Labcorp Genetics (formerly Invitae), Labcorp
Classification: Uncertain significance for Hereditary breast ovarian cancer syndrome. Last evaluated: 2022-04-23. Review status: criteria provided, single submitter. Criteria: Invitae Variant Classification Sherloc (09022015). Collection method: clinical testing. Allele origin: germline.
Comment: In summary, the available evidence is currently insufficient to determine the role of this variant in disease. Therefore, it has been classified as a Variant of Uncertain Significance. Advanced modeling of protein sequence and biophysical properties (such as structural, functional, and spatial information, amino acid conservation, physicochemical variation, residue mobility, and thermodynamic stability) performed at Invitae indicates that this missense variant is not expected to disrupt BRCA1 protein function. This variant has not been reported in the literature in individuals affected with BRCA1-related conditions. This variant is not present in population databases (gnomAD no frequency). This sequence change replaces glycine, which is neutral and non-polar, with cysteine, which is neutral and slightly polar, at codon 1062 of the BRCA1 protein (p.Gly1062Cys).